The following is an entry in ClinVar:

NM_001378778.1(MPDZ):c.1741G>C (p.Val581Leu)

Gene: MPDZ (multiple PDZ domain crumbs cell polarity complex component; minus strand). Cytogenetic location: 9p23.
Variant type: single nucleotide variant.
Coding change: c.1741G>C on transcript NM_001378778.1 (MANE Select); coding-DNA position 1741, G replaced by C.
Protein change: p.Val581Leu; replaces valine 581 with leucine.
Molecular consequence: missense variant.
Genome position (GRCh38, 1-based): chr9:13,193,229, C>G on the plus strand (G>C on the coding strand, the complement: MPDZ is on the minus strand). VCF-style: chr9-13193229-C-G. GRCh37 (hg19) VCF-style: chr9-13193228-C-G.
Other names: c.1741G>C, p.Val581Leu (NM_001261406.2, NM_001261407.2, NM_001330637.2 and 14 more transcripts); c.1741G>C (NM_003829.3); short protein forms V581L.
Identifiers: ClinVar variation 1937620 (VCV001937620.3), dbSNP rs199726781, ClinGen allele CA4987685.

ClinVar aggregate classification (germline): Uncertain significance. Review status: criteria provided, multiple submitters, no conflicts (2 of 4 stars). 2 submissions from 2 submitters: Uncertain significance (2). Last evaluated 2024-03-25.

Conditions:
Inborn genetic diseases. Identifiers: MedGen C0950123, MeSH D030342.

Allele frequency attached by ClinVar (database versions not stated): ESP Exome Variant Server 0.00008.
gnomAD v4.1: 51 of 1,612,076 alleles (0.0032%); highest among the groups gnomAD compares: Non-Finnish European, 0.0042%; no homozygotes.

Submissions (2):

Ambry Genetics
Classification: Uncertain significance for Inborn genetic diseases. Last evaluated: 2024-03-25. Review status: criteria provided, single submitter. Criteria: Ambry Variant Classification Scheme 2023. Collection method: clinical testing. Allele origin: germline.

Labcorp Genetics (formerly Invitae), Labcorp
Classification: Uncertain significance. Last evaluated: 2022-08-15. Review status: criteria provided, single submitter. Criteria: Invitae Variant Classification Sherloc (09022015). Collection method: clinical testing. Allele origin: germline.
Comment: This sequence change replaces valine, which is neutral and non-polar, with leucine, which is neutral and non-polar, at codon 581 of the MPDZ protein (p.Val581Leu). This variant is present in population databases (rs199726781, gnomAD 0.002%). This variant has not been reported in the literature in individuals affected with MPDZ-related conditions. Algorithms developed to predict the effect of missense changes on protein structure and function are either unavailable or do not agree on the potential impact of this missense change (SIFT: "Deleterious"; PolyPhen-2: "Benign"; Align-GVGD: "Class C25"). In summary, the available evidence is currently insufficient to determine the role of this variant in disease. Therefore, it has been classified as a Variant of Uncertain Significance.